The following is an entry in ClinVar:

ClinVar aggregate classification (germline): Uncertain significance (1 of 4 stars; one submission).

Conditions:
Severe combined immunodeficiency due to IKK2 deficiency. Also called: Immunodeficiency 15; IMMUNODEFICIENCY 15B. Identifiers: Orphanet 397787, MedGen C4747743, MONDO:0014267, OMIM 615592.

gnomAD v4.1: 2 of 1,613,356 alleles (0.00012%); highest among the groups gnomAD compares: Non-Finnish European, 0.00017%; no homozygotes.

Submission:

Labcorp Genetics (formerly Invitae), Labcorp
Classification: Uncertain significance for Severe combined immunodeficiency due to IKK2 deficiency. Last evaluated: 2025-09-21. Review status: criteria provided, single submitter. Criteria: Invitae Variant Classification Sherloc (09022015). Collection method: clinical testing. Allele origin: germline.
Comment: This sequence change replaces isoleucine, which is neutral and non-polar, with valine, which is neutral and non-polar, at codon 151 of the IKBKB protein (p.Ile151Val). This variant is not present in population databases (gnomAD no frequency). This variant has not been reported in the literature in individuals affected with IKBKB-related conditions. Invitae Evidence Modeling of protein sequence and biophysical properties (such as structural, functional, and spatial information, amino acid conservation, physicochemical variation, residue mobility, and thermodynamic stability) indicates that this missense variant is not expected to disrupt IKBKB protein function with a negative predictive value of 95%. In summary, the available evidence is currently insufficient to determine the role of this variant in disease. Therefore, it has been classified as a Variant of Uncertain Significance.

NM_001556.3(IKBKB):c.451A>G (p.Ile151Val)

Gene: IKBKB (inhibitor of nuclear factor kappa B kinase subunit beta; plus strand). Cytogenetic location: 8p11.21.
Variant type: single nucleotide variant.
Coding change: c.451A>G on transcript NM_001556.3 (MANE Select); coding-DNA position 451, A replaced by G.
Protein change: p.Ile151Val; replaces isoleucine 151 with valine.
Molecular consequence: missense variant. On other transcripts: non-coding transcript variant (3).
Genome position (GRCh38, 1-based): chr8:42,305,249, A>G. VCF-style: chr8-42305249-A-G. GRCh37 (hg19) VCF-style: chr8-42162767-A-G.
Other names: c.259A>G, p.Ile87Val (NM_001190720.3); c.274A>G, p.Ile92Val (NM_001242778.2); short protein forms I151V, I87V, I92V.
Identifiers: ClinVar variation 4806087 (VCV004806087.1).